The following is an entry in ClinVar:

NM_018671.5(UNC45A):c.1483C>T (p.Arg495Cys)

Gene: UNC45A (unc-45 myosin chaperone A; plus strand). Cytogenetic location: 15q26.1.
Variant type: single nucleotide variant.
Coding change: c.1483C>T on transcript NM_018671.5 (MANE Select); coding-DNA position 1483, C replaced by T.
Protein change: p.Arg495Cys; replaces arginine 495 with cysteine.
Molecular consequence: missense variant.
Genome position (GRCh38, 1-based): chr15:90,946,897, C>T. VCF-style: chr15-90946897-C-T. GRCh37 (hg19) VCF-style: chr15-91490127-C-T.
Other names: c.1438C>T, p.Arg480Cys (NM_001039675.2, NM_001323621.2); c.1483C>T, p.Arg495Cys (NM_001323619.1); c.1048C>T, p.Arg350Cys (NM_001323620.2); short protein forms R350C, R480C, R495C.
Identifiers: ClinVar variation 2150440 (VCV002150440.2), dbSNP rs758326588, ClinGen allele CA7742914.
Genomic context (GRCh38, chr15:90,946,897, plus strand): 5'-ACTGCCAATGGTGTCTCGCTGCTGAAGGACCTATATAAGTGCAGCGAGAAGGACAGCATC[C>T]GCATCCGGGCGCTAGTGGTGAGACGGTGGGCCTGGGGTGGGTGGGCAGGCAGCCAGGCAG-3'
Protein context (NP_061141.2, residues 485-505): LYKCSEKDSI[Arg495Cys]IRALVGLCKL

ClinVar aggregate classification (germline): Uncertain significance (1 of 4 stars; one submission).

Allele frequency attached by ClinVar (database versions not stated): ExAC 0.00001; gnomAD 0.00001; gnomAD exomes 0.00002; TOPMed 0.00003.

Submission:

Labcorp Genetics (formerly Invitae), Labcorp
Classification: Uncertain significance. Last evaluated: 2022-07-06. Review status: criteria provided, single submitter. Criteria: Invitae Variant Classification Sherloc (09022015). Collection method: clinical testing. Allele origin: germline.
Comment: This variant is present in population databases (rs758326588, gnomAD 0.003%). In summary, the available evidence is currently insufficient to determine the role of this variant in disease. Therefore, it has been classified as a Variant of Uncertain Significance. Algorithms developed to predict the effect of missense changes on protein structure and function are either unavailable or do not agree on the potential impact of this missense change (SIFT: "Not Available"; PolyPhen-2: "Probably Damaging"; Align-GVGD: "Not Available"). This variant has not been reported in the literature in individuals affected with UNC45A-related conditions. This sequence change replaces arginine, which is basic and polar, with cysteine, which is neutral and slightly polar, at codon 495 of the UNC45A protein (p.Arg495Cys).